The following is an entry in ClinVar:

NM_213594.3(RFX4):c.1481G>A (p.Arg494Gln)

Genes: RFX4 (regulatory factor X4; plus strand), LOC100287944 (uncharacterized LOC100287944; minus strand). Cytogenetic location: 12q23.3.
Variant type: single nucleotide variant.
Coding change: c.1481G>A on transcript NM_213594.3 (MANE Select); coding-DNA position 1481, G replaced by A.
Protein change: p.Arg494Gln; replaces arginine 494 with glutamine.
Molecular consequence: missense variant.
Genome position (GRCh38, 1-based): chr12:106,732,933, G>A. VCF-style: chr12-106732933-G-A. GRCh37 (hg19) VCF-style: chr12-107126711-G-A.
Other names: c.1508G>A, p.Arg503Gln (NM_001206691.2); c.1199G>A, p.Arg400Gln (NM_032491.6); short protein forms R400Q, R494Q, R503Q.
Identifiers: ClinVar variation 3032937 (VCV003032937.3), dbSNP rs201949313, ClinGen allele CA6763074.

ClinVar aggregate classification (germline): Benign. Review status: criteria provided, single submitter (1 of 4 stars). 2 submissions from 2 submitters: Benign (1). 1 of the submissions does not count toward it. Last evaluated 2025-02-16.

Conditions:
RFX4-related disorder. Also called: RFX4-related condition.

Allele frequency attached by ClinVar (database versions not stated): gnomAD 0.00011; gnomAD exomes 0.00012; TOPMed 0.00023; ExAC 0.00031.
gnomAD v4.1: 191 of 1,613,904 alleles (0.012%); highest among the groups gnomAD compares: East Asian, 0.19%; no homozygotes.

Submissions (2):

Laboratory of Genetics, Children's Clinical University Hospital Latvia
Classification: Benign. Last evaluated: 2025-02-16. Review status: criteria provided, single submitter. Criteria: ACMG Guidelines, 2015. Collection method: clinical testing. Allele origin: germline. Affected: yes.

PreventionGenetics, part of Exact Sciences
Classification: Likely benign for RFX4-related condition. Last evaluated: 2022-02-28. Review status: no assertion criteria provided. Collection method: clinical testing. Allele origin: germline. Not counted in ClinVar's aggregate classification.
Comment: This variant is classified as likely benign based on ACMG/AMP sequence variant interpretation guidelines (Richards et al. 2015 PMID: 25741868, with internal and published modifications).